The following is an entry in ClinVar:

ClinVar aggregate classification (germline): Uncertain significance (1 of 4 stars; one submission).

Submission:

Labcorp Genetics (formerly Invitae), Labcorp
Classification: Uncertain significance. Last evaluated: 2024-04-20. Review status: criteria provided, single submitter. Criteria: Invitae Variant Classification Sherloc (09022015). Collection method: clinical testing. Allele origin: germline.
Comment: This sequence change replaces glutamine, which is neutral and polar, with arginine, which is basic and polar, at codon 291 of the COL9A2 protein (p.Gln291Arg). This variant is not present in population databases (gnomAD no frequency). This variant has not been reported in the literature in individuals affected with COL9A2-related conditions. Advanced modeling of protein sequence and biophysical properties (such as structural, functional, and spatial information, amino acid conservation, physicochemical variation, residue mobility, and thermodynamic stability) performed at Invitae indicates that this missense variant is not expected to disrupt COL9A2 protein function with a negative predictive value of 95%. In summary, the available evidence is currently insufficient to determine the role of this variant in disease. Therefore, it has been classified as a Variant of Uncertain Significance.

NM_001852.4(COL9A2):c.872A>G (p.Gln291Arg)

Gene: COL9A2 (collagen type IX alpha 2 chain; minus strand). Cytogenetic location: 1p34.2.
Variant type: single nucleotide variant.
Coding change: c.872A>G on transcript NM_001852.4 (MANE Select); coding-DNA position 872, A replaced by G.
Protein change: p.Gln291Arg; replaces glutamine 291 with arginine.
Molecular consequence: missense variant.
Genome position (GRCh38, 1-based): chr1:40,308,220, T>C on the plus strand (A>G on the coding strand, the complement: COL9A2 is on the minus strand). VCF-style: chr1-40308220-T-C. GRCh37 (hg19) VCF-style: chr1-40773892-T-C.
Other names: short protein forms Q291R.
Identifiers: ClinVar variation 3633534 (VCV003633534.2).